The following is an entry in ClinVar:

NM_000260.4(MYO7A):c.3375+14C>A

Gene: MYO7A (myosin VIIA; plus strand). Cytogenetic location: 11q13.5.
Variant type: single nucleotide variant.
Coding change: c.3375+14C>A on transcript NM_000260.4 (MANE Select); 14 bases into the intron after coding-DNA position 3375, C replaced by A.
Molecular consequence: intron variant.
Genome position (GRCh38, 1-based): chr11:77,183,171, C>A. VCF-style: chr11-77183171-C-A. GRCh37 (hg19) VCF-style: chr11-76894216-C-A.
Other names: c.3342+14C>A (NM_001369365.1); c.3375+14C>A (NM_001127180.2).
Identifiers: ClinVar variation 227681 (VCV000227681.16), dbSNP rs782500012, ClinGen allele CA6198037.

ClinVar aggregate classification (germline): Conflicting classifications of pathogenicity. Review status: criteria provided, conflicting classifications (1 of 4 stars). 6 submissions from 4 submitters: Uncertain significance (3); Likely benign (3). Last evaluated 2026-01-19.

Conditions:
Usher syndrome type 1 (USH1). Also called: RETINITIS PIGMENTOSA AND CONGENITAL DEAFNESS. Identifiers: Orphanet 231169, Orphanet 886, MedGen C1568247, MONDO:0010168, OMIM 276900.
Autosomal dominant nonsyndromic hearing loss 11. Identifiers: Orphanet 90635, MedGen C1832475, MONDO:0011032, OMIM 601317.
Autosomal recessive nonsyndromic hearing loss 2. Also called: DEAFNESS, AUTOSOMAL RECESSIVE 2; NEUROSENSORY NONSYNDROMIC RECESSIVE DEAFNESS 2. Identifiers: Orphanet 90636, MedGen C1838701, MONDO:0010807, OMIM 600060.

Allele frequency attached by ClinVar (database versions not stated): ExAC 0.00005; gnomAD exomes 0.00010; gnomAD 0.00011; TOPMed 0.00016.
gnomAD v4.1: 153 of 1,550,250 alleles (0.0099%); highest among the groups gnomAD compares: Admixed American, 0.025%; no homozygotes.

Submissions (6):

Labcorp Genetics (formerly Invitae), Labcorp
Classification: Likely benign. Last evaluated: 2026-01-19. Review status: criteria provided, single submitter. Criteria: Invitae Variant Classification Sherloc (09022015). Collection method: clinical testing. Allele origin: germline.

Blueprint Genetics
Classification: Likely benign. Last evaluated: 2024-03-19. Review status: criteria provided, single submitter. Criteria: ACMG Guidelines, 2015. Collection method: clinical testing. Allele origin: germline.

Illumina Laboratory Services, Illumina
Classification: Uncertain significance for Autosomal dominant nonsyndromic hearing loss 11. Last evaluated: 2018-01-12. Review status: criteria provided, single submitter. Criteria: ICSL Variant Classification Criteria 13 December 2019. Collection method: clinical testing. Allele origin: germline.

Illumina Laboratory Services, Illumina
Classification: Uncertain significance for Autosomal recessive nonsyndromic hearing loss 2. Last evaluated: 2018-01-12. Review status: criteria provided, single submitter. Criteria: ICSL Variant Classification Criteria 13 December 2019. Collection method: clinical testing. Allele origin: germline.

Illumina Laboratory Services, Illumina
Classification: Uncertain significance for Usher syndrome type 1. Last evaluated: 2018-01-12. Review status: criteria provided, single submitter. Criteria: ICSL Variant Classification Criteria 13 December 2019. Collection method: clinical testing. Allele origin: germline.

Laboratory for Molecular Medicine, Mass General Brigham Personalized Medicine
Classification: Likely benign. Last evaluated: 2015-08-05. Review status: criteria provided, single submitter. Criteria: LMM Criteria. Collection method: clinical testing. Allele origin: germline. Observed: 1 variant allele.
Comment: c.3375+14C>A in intron 26 of MYO7A: This variant is not expected to have clinica l significance because it is not located within the splice consensus sequence. I t has been identified in 1/8538 European chromosomes by the Exome Aggregation Co nsortium (ExAC).